The following is an entry in ClinVar:

ClinVar aggregate classification (germline): Uncertain significance (1 of 4 stars; one submission).

Conditions:
Bethlem myopathy 1A. Also called: MYOPATHY, BENIGN CONGENITAL, WITH CONTRACTURES; Bethlem myopathy 1; Bethlem Muscular Dystrophy. Identifiers: Orphanet 610, MedGen CN029274, MONDO:0024530, OMIM 158810.

Allele frequency attached by ClinVar (database versions not stated): gnomAD exomes below 0.00001; gnomAD 0.00001; TOPMed 0.00001.
gnomAD v4.1: 9 of 1,613,692 alleles (0.00056%); highest among the groups gnomAD compares: African/African-American, 0.0067%; no homozygotes.

Submission:

Labcorp Genetics (formerly Invitae), Labcorp
Classification: Uncertain significance for Bethlem myopathy 1A. Last evaluated: 2024-03-04. Review status: criteria provided, single submitter. Criteria: Invitae Variant Classification Sherloc (09022015). Collection method: clinical testing. Allele origin: germline.
Comment: This sequence change replaces lysine, which is basic and polar, with asparagine, which is neutral and polar, at codon 3077 of the COL6A3 protein (p.Lys3077Asn). This variant is present in population databases (no rsID available, gnomAD 0.01%). This variant has not been reported in the literature in individuals affected with COL6A3-related conditions. Experimental studies and prediction algorithms are not available or were not evaluated, and the functional significance of this variant is currently unknown. In summary, the available evidence is currently insufficient to determine the role of this variant in disease. Therefore, it has been classified as a Variant of Uncertain Significance.

NM_004369.4(COL6A3):c.9231G>T (p.Lys3077Asn)

Gene: COL6A3 (collagen type VI alpha 3 chain; minus strand). Cytogenetic location: 2q37.3.
Variant type: single nucleotide variant.
Coding change: c.9231G>T on transcript NM_004369.4 (MANE Select); coding-DNA position 9231, G replaced by T.
Protein change: p.Lys3077Asn; replaces lysine 3077 with asparagine.
Molecular consequence: missense variant.
Genome position (GRCh38, 1-based): chr2:237,333,547, C>A on the plus strand (G>T on the coding strand, the complement: COL6A3 is on the minus strand). VCF-style: chr2-237333547-C-A. GRCh37 (hg19) VCF-style: chr2-238242190-C-A.
Other names: c.7410G>T, p.Lys2470Asn (NM_057166.5); c.8613G>T, p.Lys2871Asn (NM_057167.4); short protein forms K2871N, K2470N, K3077N.
Identifiers: ClinVar variation 2912382 (VCV002912382.3), dbSNP rs946842388, ClinGen allele CA67828700.